The following is an entry in ClinVar:

NM_001165963.4(SCN1A):c.3355G>A (p.Val1119Ile)

Genes: SCN1A (sodium voltage-gated channel alpha subunit 1; minus strand), LOC102724058 (uncharacterized LOC102724058; plus strand). Cytogenetic location: 2q24.3.
Variant type: single nucleotide variant.
Coding change: c.3355G>A on transcript NM_001165963.4 (MANE Select); coding-DNA position 3355, G replaced by A.
Protein change: p.Val1119Ile; replaces valine 1119 with isoleucine.
Molecular consequence: missense variant. On other transcripts: non-coding transcript variant (2).
Genome position (GRCh38, 1-based): chr2:166,036,122, C>T on the plus strand (G>A on the coding strand, the complement: SCN1A is on the minus strand). VCF-style: chr2-166036122-C-T. GRCh37 (hg19) VCF-style: chr2-166892632-C-T.
Other names: c.3271G>A, p.Val1091Ile (NM_001165964.3, NM_001353957.2, NM_001353958.2); c.3355G>A, p.Val1119Ile (NM_001202435.3, NM_001353948.2); c.3322G>A, p.Val1108Ile (NM_001353949.2, NM_001353950.2, NM_001353951.2 and 2 more transcripts); c.3319G>A, p.Val1107Ile (NM_001353954.2, NM_001353955.2); c.3268G>A, p.Val1090Ile (NM_001353960.2); c.913G>A, p.Val305Ile (NM_001353961.2); short protein forms V1108I, V1119I, V1090I, V1091I, V1107I, V305I.
Identifiers: ClinVar variation 449146 (VCV000449146.10), dbSNP rs774410570, ClinGen allele CA1942986.

ClinVar aggregate classification (germline): Uncertain significance. Review status: criteria provided, multiple submitters, no conflicts (2 of 4 stars). 2 submissions from 2 submitters: Uncertain significance (2). Last evaluated 2023-12-28.

Conditions:
Early-infantile DEE. Also called: Early infantile epileptic encephalopathy with suppression bursts; Ohtahara syndrome; Early infantile epileptic encephalopathy. Identifiers: Orphanet 1934, MedGen C0393706, MONDO:0800491.

Allele frequency attached by ClinVar (database versions not stated): gnomAD exomes below 0.00001 and 0.00001; gnomAD 0.00001; TOPMed 0.00001; ExAC 0.00002.
gnomAD v4.1: 4 of 1,613,834 alleles (0.00025%); highest among the groups gnomAD compares: African/African-American, 0.0013%; no homozygotes.

Submissions (2):

Labcorp Genetics (formerly Invitae), Labcorp
Classification: Uncertain significance for Early-infantile DEE. Last evaluated: 2023-12-28. Review status: criteria provided, single submitter. Criteria: Invitae Variant Classification Sherloc (09022015). Collection method: clinical testing. Allele origin: germline.
Comment: This sequence change replaces valine, which is neutral and non-polar, with isoleucine, which is neutral and non-polar, at codon 1119 of the SCN1A protein (p.Val1119Ile). This variant is present in population databases (rs774410570, gnomAD 0.007%). This variant has not been reported in the literature in individuals affected with SCN1A-related conditions. ClinVar contains an entry for this variant (Variation ID: 449146). Advanced modeling of protein sequence and biophysical properties (such as structural, functional, and spatial information, amino acid conservation, physicochemical variation, residue mobility, and thermodynamic stability) performed at Invitae indicates that this missense variant is not expected to disrupt SCN1A protein function with a negative predictive value of 95%. In summary, the available evidence is currently insufficient to determine the role of this variant in disease. Therefore, it has been classified as a Variant of Uncertain Significance.

GeneDx
Classification: Uncertain significance. Last evaluated: 2016-01-13. Review status: criteria provided, single submitter. Criteria: GeneDx Variant Classification (06012015). Collection method: clinical testing. Allele origin: germline. Affected: yes.
Comment: A variant of uncertain significance has been identified in the SCN1A gene. The V1119I variant has not been published as a pathogenic variant, nor has it been reported as a benign variant to our knowledge. It was not observed in approximately 6,500 individuals of European and African American ancestry in an external variant database, indicating it is not a common benign variant in these populations. The V1119I substitution occurs at a position where amino acids with similar properties to Valine are tolerated across species. However, it is a conservative amino acid substitution, which is not likely to impact secondary protein structure as these residues share similar properties, and missense variants in nearby residues have not been reported in the Human Gene Mutation Database in association with SCN1A-related disorders (Stenson et al., 2014). In silico analysis is inconsistent in its predictions as to whether or not the variant is damaging to the protein structure/function. Therefore, based on the currently available information, it is unclear whether this variant is a pathogenic variant or a rare benign variant.